The following is an entry in ClinVar:

NM_001005242.3(PKP2):c.1442T>G (p.Leu481Arg)

Gene: PKP2 (plakophilin 2; minus strand). Cytogenetic location: 12p11.21.
Variant type: single nucleotide variant.
Coding change: c.1442T>G on transcript NM_001005242.3 (MANE Select); coding-DNA position 1442, T replaced by G.
Protein change: p.Leu481Arg; replaces leucine 481 with arginine.
Molecular consequence: missense variant.
Genome position (GRCh38, 1-based): chr12:32,841,142, A>C on the plus strand (T>G on the coding strand, the complement: PKP2 is on the minus strand). VCF-style: chr12-32841142-A-C. GRCh37 (hg19) VCF-style: chr12-32994076-A-C.
Other names: c.1574T>G, p.Leu525Arg (NM_004572.4); short protein forms L525R, L481R.
Identifiers: ClinVar variation 45031 (VCV000045031.17), dbSNP rs397516998, ClinGen allele CA011161.
Genomic context (GRCh38, chr12:32,841,142, plus strand): 5'-TTTGGGTAGTCTCCTTCAGGCCACCCAGAAAAGGGGATGATGATATTCTCCGTCAGCGTA[A>C]GCAATGCTTCTGTTATCATGAGATTCTTGAGTTTGTCATTAGATGACAAATTCCACAGCA-3'
Protein context (NP_001005242.2, residues 471-491): LKNLMITEAL[Leu481Arg]TLTENIIIPF

ClinVar aggregate classification (germline): Conflicting classifications of pathogenicity. Review status: criteria provided, conflicting classifications (1 of 4 stars). 5 submissions from 5 submitters: Uncertain significance (4); Likely benign (1). Last evaluated 2023-11-02.

Conditions:
Arrhythmogenic right ventricular cardiomyopathy (ARVD). Also called: Arrhythmogenic right ventricular dysplasia; Arrhythmogenic cardiomyopathy; Arrhythmogenic Right Ventricular Cardiomyopathy (ARVC); Cardiomyopathy, ARVC. Identifiers: Orphanet 247, MedGen C0349788, MeSH D019571, MONDO:0016587. Disease mechanism: loss of function. Inheritance: Various modes of inheritance.
Cardiomyopathy (CMYO). Also called: Cardiomyopathies. Identifiers: Orphanet 167848, MedGen C0878544, MONDO:0004994, HP:0001638. Inheritance: Various modes of inheritance.
Arrhythmogenic right ventricular dysplasia 9 (ARVD9). Also called: ARRHYTHMOGENIC RIGHT VENTRICULAR DYSPLASIA, FAMILIAL, 9; Arrhythmogenic Right Ventricular Dysplasia/Cardiomyopathy 9. Identifiers: MedGen C1836906, MONDO:0012180, OMIM 609040.

Allele frequency attached by ClinVar (database versions not stated): gnomAD below 0.00001 and 0.00003; ExAC 0.00002; gnomAD exomes 0.00002 and 0.00003.
gnomAD v4.1: 26 of 1,613,310 alleles (0.0016%); highest among the groups gnomAD compares: South Asian, 0.029%; no homozygotes.

Submissions (5):

All of Us Research Program, National Institutes of Health
Classification: Uncertain significance for Arrhythmogenic right ventricular cardiomyopathy. Last evaluated: 2023-11-02. Review status: criteria provided, single submitter. Criteria: ACMG Guidelines, 2015. Collection method: clinical testing. Allele origin: germline. Inheritance: Autosomal dominant inheritance. Observed: 1 variant allele, 1 heterozygote.
Comment: This missense variant replaces leucine with arginine at codon 525 of the PKP2 protein. Computational prediction suggests that this variant may not impact protein structure and function (internally defined REVEL score threshold <= 0.5, PMID: 27666373). To our knowledge, functional studies have not been reported for this variant. This variant has been reported in one individual affected with hypertrophic cardiomyopathy who also carried two variants of uncertain significance in the MHY7 gene (PMID: 32746448). This variant has been identified in 8/251354 chromosomes in the general population by the Genome Aggregation Database (gnomAD). The available evidence is insufficient to determine the role of this variant in disease conclusively. Therefore, this variant is classified as a Variant of Uncertain Significance.

This study involves interpretation of variants in research participants for the purpose of population health screening. Participant phenotype was not available at the time of variant classification. Additional details can be found in publication PMID: 35346344, PMCID: PMC8962531

Color Diagnostics, LLC DBA Color Health
Classification: Uncertain significance for Cardiomyopathy. Last evaluated: 2023-10-12. Review status: criteria provided, single submitter. Criteria: ACMG Guidelines, 2015. Collection method: clinical testing. Allele origin: germline.
Comment: This missense variant replaces leucine with arginine at codon 525 of the PKP2 protein. Computational prediction suggests that this variant may not impact protein structure and function (internally defined REVEL score threshold <= 0.5, PMID: 27666373). To our knowledge, functional studies have not been reported for this variant. This variant has been reported in one individual affected with hypertrophic cardiomyopathy who also carried two variants of uncertain significance in the MHY7 gene (PMID: 32746448). This variant has been identified in 8/251354 chromosomes in the general population by the Genome Aggregation Database (gnomAD). The available evidence is insufficient to determine the role of this variant in disease conclusively. Therefore, this variant is classified as a Variant of Uncertain Significance.

Labcorp Genetics (formerly Invitae), Labcorp
Classification: Uncertain significance for Arrhythmogenic right ventricular dysplasia 9. Last evaluated: 2021-09-02. Review status: criteria provided, single submitter. Criteria: Invitae Variant Classification Sherloc (09022015). Collection method: clinical testing. Allele origin: germline.
Comment: This sequence change replaces leucine with arginine at codon 525 of the PKP2 protein (p.Leu525Arg). The leucine residue is moderately conserved and there is a moderate physicochemical difference between leucine and arginine. This variant is present in population databases (rs397516998, ExAC 0.01%). This variant has not been reported in the literature in individuals affected with PKP2-related conditions. ClinVar contains an entry for this variant (Variation ID: 45031). Algorithms developed to predict the effect of missense changes on protein structure and function (SIFT, PolyPhen-2, Align-GVGD) all suggest that this variant is likely to be tolerated. Algorithms developed to predict the effect of sequence changes on RNA splicing suggest that this variant may create or strengthen a splice site. In summary, the available evidence is currently insufficient to determine the role of this variant in disease. Therefore, it has been classified as a Variant of Uncertain Significance.

GeneDx
Classification: Uncertain significance. Last evaluated: 2019-07-19. Review status: criteria provided, single submitter. Criteria: GeneDx Variant Classification Process June 2021. Collection method: clinical testing. Allele origin: germline. Affected: yes.
Comment: Has not been previously published as pathogenic or benign to our knowledge; Reported in ClinVar but additional evidence is not available (ClinVar Variant ID# 45031; Landrum et al., 2016); In silico analysis, which includes protein predictors and evolutionary conservation, supports that this variant does not alter protein structure/function

Laboratory for Molecular Medicine, Mass General Brigham Personalized Medicine
Classification: Likely benign. Last evaluated: 2019-03-13. Review status: criteria provided, single submitter. Criteria: LMM Criteria. Collection method: clinical testing. Allele origin: germline. Observed: 1 variant allele.
Comment: The p.Leu525Arg variant in PKP2 is classified as likely benign because it has been identified in 0.03% (8/30616) of South Asian chromosomes by gnomAD. ACMG/AMP Criteria applied: BS1, BP4.

Literature cited by the submitters: PubMed 32746448 (cited by All of Us Research Program, National Institutes of Health and Color Diagnostics, LLC DBA Color Health).